The following is an entry in ClinVar:

ClinVar aggregate classification (germline): Conflicting classifications of pathogenicity. Review status: criteria provided, conflicting classifications (1 of 4 stars). 2 submissions from 2 submitters: Uncertain significance (1); Likely benign (1). Last evaluated 2026-01-12.

Conditions:
Hereditary cancer-predisposing syndrome. Also called: Hereditary neoplastic syndrome; Neoplastic Syndromes, Hereditary; Hereditary Cancer Syndrome; Tumor predisposition. Identifiers: Orphanet 140162, MedGen C0027672, MeSH D009386, MONDO:0015356.
Gastrointestinal stromal tumor. Also called: Gastrointestinal stromal tumor, somatic; Gastrointestinal stroma tumor. Identifiers: Orphanet 44890, MedGen C0238198, MeSH D046152, MONDO:0011719, OMIM 606764, HP:0100723.

Allele frequency attached by ClinVar (database versions not stated): gnomAD exomes below 0.00001; ExAC 0.00001.
gnomAD v4.1: 2 of 1,614,104 alleles (0.00012%); highest among the groups gnomAD compares: Non-Finnish European, 0.00017%; no homozygotes.

Submissions (2):

Labcorp Genetics (formerly Invitae), Labcorp
Classification: Uncertain significance for Gastrointestinal stromal tumor. Last evaluated: 2026-01-12. Review status: criteria provided, single submitter. Criteria: Invitae Variant Classification Sherloc (09022015). Collection method: clinical testing. Allele origin: germline.
Comment: This sequence change replaces threonine, which is neutral and polar, with alanine, which is neutral and non-polar, at codon 152 of the PDGFRA protein (p.Thr152Ala). This variant is present in population databases (rs775558761, gnomAD 0.0009%). This variant has not been reported in the literature in individuals affected with PDGFRA-related conditions. ClinVar contains an entry for this variant (Variation ID: 958053). Invitae Evidence Modeling of protein sequence and biophysical properties (such as structural, functional, and spatial information, amino acid conservation, physicochemical variation, residue mobility, and thermodynamic stability) indicates that this missense variant is not expected to disrupt PDGFRA protein function with a negative predictive value of 80%. In summary, the available evidence is currently insufficient to determine the role of this variant in disease. Therefore, it has been classified as a Variant of Uncertain Significance.

Ambry Genetics
Classification: Likely benign for Hereditary cancer-predisposing syndrome. Last evaluated: 2025-06-05. Review status: criteria provided, single submitter. Criteria: Ambry Variant Classification Scheme 2023. Collection method: clinical testing. Allele origin: germline.

NM_006206.6(PDGFRA):c.454A>G (p.Thr152Ala)

Gene: PDGFRA (platelet derived growth factor receptor alpha; plus strand). Cytogenetic location: 4q12.
Variant type: single nucleotide variant.
Coding change: c.454A>G on transcript NM_006206.6 (MANE Select); coding-DNA position 454, A replaced by G.
Protein change: p.Thr152Ala; replaces threonine 152 with alanine.
Molecular consequence: missense variant.
Genome position (GRCh38, 1-based): chr4:54,263,753, A>G. VCF-style: chr4-54263753-A-G. GRCh37 (hg19) VCF-style: chr4-55129920-A-G.
Other names: c.454A>G, p.Thr152Ala (NM_001347827.2, NM_001347829.2); c.529A>G, p.Thr177Ala (NM_001347828.2); c.493A>G, p.Thr165Ala (NM_001347830.2); short protein forms T177A, T152A, T165A.
Identifiers: ClinVar variation 958053 (VCV000958053.11), dbSNP rs775558761, ClinGen allele CA2922295.
Genomic context (GRCh38, chr4:54,263,753, plus strand): 5'-GGAATGACGGATTATTTAGTCATCGTGGAGGATGATGATTCTGCCATTATACCTTGTCGC[A>G]CAACTGATCCCGAGACTCCTGTAACCTTACACAACAGTGAGGGGGTGGTACCTGCCTCCT-3'
Protein context (NP_006197.1, residues 142-162): DDDSAIIPCR[Thr152Ala]TDPETPVTLH